The following is an entry in ClinVar:

ClinVar aggregate classification (germline): Pathogenic (1 of 4 stars; one submission).

Conditions:
Congenital factor V deficiency. Also called: Hereditary factor V deficiency disease; LABILE FACTOR DEFICIENCY; OWREN PARAHEMOPHILIA; PARAHEMOPHILIA. Identifiers: Orphanet 326, MedGen C0015499, MONDO:0009210, OMIM 227400.

Submission:

Labcorp Genetics (formerly Invitae), Labcorp
Classification: Pathogenic for Congenital factor V deficiency. Last evaluated: 2023-08-18. Review status: criteria provided, single submitter. Criteria: Invitae Variant Classification Sherloc (09022015). Collection method: clinical testing. Allele origin: germline.
Comment: For these reasons, this variant has been classified as Pathogenic. This variant has not been reported in the literature in individuals affected with F5-related conditions. This variant is present in population databases (no rsID available, gnomAD 0.0009%). This sequence change creates a premature translational stop signal (p.Gly1754Glufs*13) in the F5 gene. It is expected to result in an absent or disrupted protein product. Loss-of-function variants in F5 are known to be pathogenic (PMID: 30924984).

Literature cited by the submitters: PubMed 30924984.

NM_000130.5(F5):c.5261del (p.Gly1754fs)

Gene: F5 (coagulation factor V; minus strand). Cytogenetic location: 1q24.2.
Variant type: Deletion.
Coding change: c.5261del on transcript NM_000130.5 (MANE Select); coding-DNA position 5261, one base deleted (G; older notation c.5261delG).
Protein change: p.Gly1754fs; shifts the reading frame from glycine 1754.
Molecular consequence: frameshift variant.
Genome position (GRCh38, 1-based): chr1:169,529,766, C deleted on the plus strand (G on the coding strand, the reverse complement: F5 is on the minus strand); the first of 2 consecutive C bases (chr1:169,529,766-169,529,767); deleting either gives the same sequence. VCF-style (leftmost placement, unchanged base first): chr1-169529765-TC-T. GRCh37 (hg19) VCF-style: chr1-169499003-TC-T.
Other names: short protein forms G1754fs.
Identifiers: ClinVar variation 2728317 (VCV002728317.2), dbSNP rs1030984228, ClinGen allele CA32434869.